The following is an entry in ClinVar:

ClinVar aggregate classification (germline): Uncertain significance (1 of 4 stars; one submission).

Allele frequency attached by ClinVar (database versions not stated): gnomAD exomes below 0.00001.
gnomAD v4.1: 1 of 1,607,132 alleles (0.000062%); highest among the groups gnomAD compares: Non-Finnish European, 0.000085%; no homozygotes.

Submission:

Labcorp Genetics (formerly Invitae), Labcorp
Classification: Uncertain significance. Last evaluated: 2024-10-15. Review status: criteria provided, single submitter. Criteria: Invitae Variant Classification Sherloc (09022015). Collection method: clinical testing. Allele origin: germline.
Comment: This sequence change replaces arginine, which is basic and polar, with threonine, which is neutral and polar, at codon 886 of the KANK1 protein (p.Arg886Thr). This variant is not present in population databases (gnomAD no frequency). This variant has not been reported in the literature in individuals affected with KANK1-related conditions. ClinVar contains an entry for this variant (Variation ID: 1366753). Invitae Evidence Modeling of protein sequence and biophysical properties (such as structural, functional, and spatial information, amino acid conservation, physicochemical variation, residue mobility, and thermodynamic stability) indicates that this missense variant is not expected to disrupt KANK1 protein function with a negative predictive value of 80%. In summary, the available evidence is currently insufficient to determine the role of this variant in disease. Therefore, it has been classified as a Variant of Uncertain Significance.

NM_015158.5(KANK1):c.2657G>C (p.Arg886Thr)

Gene: KANK1 (KN motif and ankyrin repeat domains 1; plus strand). Cytogenetic location: 9p24.3.
Variant type: single nucleotide variant.
Coding change: c.2657G>C on transcript NM_015158.5 (MANE Select); coding-DNA position 2657, G replaced by C.
Protein change: p.Arg886Thr; replaces arginine 886 with threonine.
Molecular consequence: missense variant. On other transcripts: non-coding transcript variant (1).
Genome position (GRCh38, 1-based): chr9:713,423, G>C. VCF-style: chr9-713423-G-C. GRCh37 (hg19) VCF-style: chr9-713423-G-C.
Other names: c.2657G>C, p.Arg886Thr (NM_001256876.3, NM_001256877.3, NM_001354331.2 and 2 more transcripts); c.2183G>C, p.Arg728Thr (NM_001354342.2, NM_001354343.2, NM_001354344.2 and 9 more transcripts); short protein forms R728T, R886T.
Identifiers: ClinVar variation 1366753 (VCV001366753.6), dbSNP rs2130987168, ClinGen allele CA372750719.